The following is an entry in ClinVar:

ClinVar aggregate classification (germline): Uncertain significance. Review status: criteria provided, multiple submitters, no conflicts (2 of 4 stars). 2 submissions from 2 submitters: Uncertain significance (2). Last evaluated 2023-05-05.

Conditions:
Majeed syndrome (MJDS). Also called: CHRONIC RECURRENT MULTIFOCAL OSTEOMYELITIS 1, WITH CONGENITAL DYSERYTHROPOIETIC ANEMIA, WITH OR WITHOUT NEUTROPHILIC DERMATOSIS; LPIN2-Related Majeed Syndrome. Identifiers: Orphanet 77297, MedGen C1864997, MONDO:0012316, OMIM 609628.

Allele frequency attached by ClinVar (database versions not stated): gnomAD 0.00001.
gnomAD v4.1: 22 of 1,614,032 alleles (0.0014%); highest among the groups gnomAD compares: Non-Finnish European, 0.0018%; no homozygotes.

Submissions (2):

GeneDx
Classification: Uncertain significance. Last evaluated: 2023-05-05. Review status: criteria provided, single submitter. Criteria: GeneDx Variant Classification Process June 2021. Collection method: clinical testing. Allele origin: germline. Affected: yes.
Comment: In silico analysis supports that this missense variant has a deleterious effect on protein structure/function; Has not been previously published as pathogenic or benign to our knowledge

Labcorp Genetics (formerly Invitae), Labcorp
Classification: Uncertain significance for Majeed syndrome. Last evaluated: 2019-04-25. Review status: criteria provided, single submitter. Criteria: Invitae Variant Classification Sherloc (09022015). Collection method: clinical testing. Allele origin: germline.
Comment: In summary, the available evidence is currently insufficient to determine the role of this variant in disease. Therefore, it has been classified as a Variant of Uncertain Significance. Algorithms developed to predict the effect of missense changes on protein structure and function (SIFT, PolyPhen-2, Align-GVGD) all suggest that this variant is likely to be tolerated, but these predictions have not been confirmed by published functional studies and their clinical significance is uncertain. This variant has not been reported in the literature in individuals with LPIN2-related disease. This variant is not present in population databases (ExAC no frequency). This sequence change replaces proline with threonine at codon 873 of the LPIN2 protein (p.Pro873Thr). The proline residue is moderately conserved and there is a small physicochemical difference between proline and threonine.

NM_001375808.2(LPIN2):c.2617C>A (p.Pro873Thr)

Gene: LPIN2 (lipin 2; minus strand). Cytogenetic location: 18p11.31.
Variant type: single nucleotide variant.
Coding change: c.2617C>A on transcript NM_001375808.2 (MANE Select); coding-DNA position 2617, C replaced by A.
Protein change: p.Pro873Thr; replaces proline 873 with threonine.
Molecular consequence: missense variant.
Genome position (GRCh38, 1-based): chr18:2,920,367, G>T on the plus strand (C>A on the coding strand, the complement: LPIN2 is on the minus strand). VCF-style: chr18-2920367-G-T. GRCh37 (hg19) VCF-style: chr18-2920365-G-T.
Other names: c.2617C>A, p.Pro873Thr (NM_001375809.1, NM_014646.2); short protein forms P873T.
Identifiers: ClinVar variation 639857 (VCV000639857.9), dbSNP rs757315664, ClinGen allele CA401693837.